The following is an entry in ClinVar:

NM_144997.7(FLCN):c.1344C>G (p.Thr448=)

Gene: FLCN (folliculin; minus strand). Cytogenetic location: 17p11.2.
Variant type: single nucleotide variant.
Coding change: c.1344C>G on transcript NM_144997.7 (MANE Select); coding-DNA position 1344, C replaced by G.
Protein change: p.Thr448=; no amino-acid change (threonine 448 retained).
Molecular consequence: synonymous variant.
Genome position (GRCh38, 1-based): chr17:17,215,273, G>C on the plus strand (C>G on the coding strand, the complement: FLCN is on the minus strand). VCF-style: chr17-17215273-G-C. GRCh37 (hg19) VCF-style: chr17-17118587-G-C.
Other names: c.1398C>G, p.Thr466= (NM_001353229.2); c.1344C>G, p.Thr448= (NM_001353230.2, NM_001353231.2).
Identifiers: ClinVar variation 3773069 (VCV003773069.1).
Genomic context (GRCh38, chr17:17,215,273, plus strand): 5'-GGTCACCACAAACTCGTACTTGCTGAGAGACTGGTCATCCTCACACCCCACAGGGTGGAG[G>C]GTGGAACGTGCGGCTGCGTGGACCTCCACGATGACAGCAAACTCTGTAACAACACAAGGC-3'
Protein context (NP_659434.2, residues 438-458): IVEVHAAARS[Thr448=]LHPVGCEDDQ

ClinVar aggregate classification (germline): Benign (1 of 4 stars; one submission).

Conditions:
Birt-Hogg-Dube syndrome 1 (BHD1). Also called: FIBROFOLLICULOMAS WITH TRICHODISCOMAS AND ACROCHORDONS. Identifiers: Orphanet 122, MedGen CN375946, MONDO:0800445, OMIM 135150.

gnomAD v4.1: 1 of 1,614,134 alleles (0.000062%); highest among the groups gnomAD compares: Non-Finnish European, 0.000085%; no homozygotes.

Submission:

Myriad Genetics, Inc.
Classification: Benign for Birt-Hogg-Dube syndrome 1. Last evaluated: 2024-10-24. Review status: criteria provided, single submitter. Criteria: Myriad Autosomal Dominant, Autosomal Recessive and X-Linked Classification Criteria (2023). Collection method: clinical testing. Allele origin: unknown.
Comment: This variant is considered benign. This variant is a silent/synonymous amino acid change and it is not expected to impact splicing.